The following is an entry in ClinVar:

ClinVar aggregate classification (germline): Uncertain significance. Review status: criteria provided, multiple submitters, no conflicts (2 of 4 stars). 2 submissions from 2 submitters: Uncertain significance (2). Last evaluated 2025-10-22.

Conditions:
Inborn genetic diseases. Identifiers: MedGen C0950123, MeSH D030342.

Allele frequency attached by ClinVar (database versions not stated): gnomAD exomes below 0.00001 and 0.00001; gnomAD 0.00001; ExAC 0.00002.
gnomAD v4.1: 6 of 1,614,036 alleles (0.00037%); highest among the groups gnomAD compares: Admixed American, 0.005%; no homozygotes.

Submissions (2):

Ambry Genetics
Classification: Uncertain significance for Inborn genetic diseases. Last evaluated: 2025-10-22. Review status: criteria provided, single submitter. Criteria: Ambry Variant Classification Scheme 2023. Collection method: clinical testing. Allele origin: germline.
Comment: The p.I178T variant (also known as c.533T>C), located in coding exon 1 of the SAMD9L gene, results from a T to C substitution at nucleotide position 533. The isoleucine at codon 178 is replaced by threonine, an amino acid with similar properties. This amino acid position is conserved. In addition, this alteration is predicted to be tolerated by in silico analysis. Based on the available evidence, the clinical significance of this variant remains unclear.

Labcorp Genetics (formerly Invitae), Labcorp
Classification: Uncertain significance. Last evaluated: 2024-10-24. Review status: criteria provided, single submitter. Criteria: Invitae Variant Classification Sherloc (09022015). Collection method: clinical testing. Allele origin: germline.
Comment: This sequence change replaces isoleucine, which is neutral and non-polar, with threonine, which is neutral and polar, at codon 178 of the SAMD9L protein (p.Ile178Thr). This variant is present in population databases (rs770627470, gnomAD 0.006%). This variant has not been reported in the literature in individuals affected with SAMD9L-related conditions. ClinVar contains an entry for this variant (Variation ID: 1368079). An algorithm developed to predict the effect of missense changes on protein structure and function outputs the following: PolyPhen-2: "Benign". The threonine amino acid residue is found in multiple mammalian species, which suggests that this missense change does not adversely affect protein function. In summary, the available evidence is currently insufficient to determine the role of this variant in disease. Therefore, it has been classified as a Variant of Uncertain Significance.

NM_152703.5(SAMD9L):c.533T>C (p.Ile178Thr)

Gene: SAMD9L (sterile alpha motif domain containing 9 like; minus strand). Cytogenetic location: 7q21.2.
Variant type: single nucleotide variant.
Coding change: c.533T>C on transcript NM_152703.5 (MANE Select); coding-DNA position 533, T replaced by C.
Protein change: p.Ile178Thr; replaces isoleucine 178 with threonine.
Molecular consequence: missense variant.
Genome position (GRCh38, 1-based): chr7:93,135,439, A>G on the plus strand (T>C on the coding strand, the complement: SAMD9L is on the minus strand). VCF-style: chr7-93135439-A-G. GRCh37 (hg19) VCF-style: chr7-92764752-A-G.
Other names: c.533T>C, p.Ile178Thr (NM_001303496.3, NM_001303497.3, NM_001303498.3 and 5 more transcripts); c.533T>C (NM_152703.2); short protein forms I178T.
Identifiers: ClinVar variation 1368079 (VCV001368079.7), dbSNP rs770627470, ClinGen allele CA4343854.